The following is an entry in ClinVar:

NM_021072.4(HCN1):c.484G>C (p.Val162Leu)

Gene: HCN1 (hyperpolarization activated cyclic nucleotide gated potassium channel 1; minus strand). Cytogenetic location: 5p12.
Variant type: single nucleotide variant.
Coding change: c.484G>C on transcript NM_021072.4 (MANE Select); coding-DNA position 484, G replaced by C.
Protein change: p.Val162Leu; replaces valine 162 with leucine.
Molecular consequence: missense variant.
Genome position (GRCh38, 1-based): chr5:45,645,550, C>G on the plus strand (G>C on the coding strand, the complement: HCN1 is on the minus strand). VCF-style: chr5-45645550-C-G. GRCh37 (hg19) VCF-style: chr5-45645652-C-G.
Other names: short protein forms V162L.
Identifiers: ClinVar variation 2710337 (VCV002710337.3), dbSNP rs1237420066, ClinGen allele CA359707813.

ClinVar aggregate classification (germline): Uncertain significance (1 of 4 stars; one submission).

Conditions:
Early-infantile DEE. Also called: Early infantile epileptic encephalopathy with suppression bursts; Early infantile epileptic encephalopathy; Ohtahara syndrome. Identifiers: Orphanet 1934, MedGen C0393706, MONDO:0800491.

Submission:

Labcorp Genetics (formerly Invitae), Labcorp
Classification: Uncertain significance for Early-infantile DEE. Last evaluated: 2023-11-12. Review status: criteria provided, single submitter. Criteria: Invitae Variant Classification Sherloc (09022015). Collection method: clinical testing. Allele origin: germline.
Comment: This sequence change replaces valine, which is neutral and non-polar, with leucine, which is neutral and non-polar, at codon 162 of the HCN1 protein (p.Val162Leu). This variant is not present in population databases (gnomAD no frequency). This variant has not been reported in the literature in individuals affected with HCN1-related conditions. Advanced modeling of protein sequence and biophysical properties (such as structural, functional, and spatial information, amino acid conservation, physicochemical variation, residue mobility, and thermodynamic stability) performed at Invitae indicates that this missense variant is expected to disrupt HCN1 protein function with a positive predictive value of 80%. In summary, the available evidence is currently insufficient to determine the role of this variant in disease. Therefore, it has been classified as a Variant of Uncertain Significance.